The following continues an entry in ClinVar:

NM_003900.5(SQSTM1):c.1175C>T (p.Pro392Leu)

Gene: SQSTM1. ClinVar aggregate classification (germline): Conflicting classifications of pathogenicity. Pathogenic (5); Likely pathogenic (6); Uncertain significance (4).

Submission 19 of 19:

Department of Pathology and Laboratory Medicine, Sinai Health System
Classification: Likely pathogenic. Review status: no assertion criteria provided. Collection method: clinical testing. Allele origin: unknown. Affected: yes. Study: The Canadian Open Genetics Repository (COGR). Not counted in ClinVar's aggregate classification.
Comment: The SQSTM1 p.P392L variant is a well-known variant and was identified in 59 of 356 proband chromosomes (frequency: 0.1657) from individuals or families with Pagetâ€šÃ„Ã´s disease of bone (PDB) and was not identified in 582 control chromosomes from healthy individuals (Laurin_2002_PMID:11992264, Hocking_2002_PMID:12374763, Seton_2016_PMID:26713335). The p.P392L variant was also identified in patients with PDB in the Dutch, Italian, French-Canadian, and Australian populations and was also shown to segregate with disease in 20 families from Quebec with PDB (Laurin_2002_PMID:11992264; Morissette_2006_PMID:17229007; Hocking_2002_PMID:12374763; Eekhoff_2004_PMID:15146436; Falchetti_2004_PMID:15125799; Good_2004_PMID:15207768). In addition to Pagetâ€šÃ„Ã´s disease of bone, the p.P392L variant has been identified in patients with Amyotrophic Lateral Sclerosis (ALS), Frontotemporal Dementia (FTD), and Distal Myopathy (Fecto_2011_PMID:22084127, Teyssou_2013_PMID:23417734, Le Ber_2013_PMID:24042580, Kwok_2014_PMID:23942205, van der Zee_2014_PMID:24899140, Niu_2018_PMID:29599744). Some of these patients with ALS did not have a personal/family history of PDB or they did; one family had three affected individuals with FTD and PDB and other unaffected family members did not carry the variant (Fecto_2011_PMID:22084127, Le Ber_2013_PMID:24042580, Kwok_2014_PMID:23942205, Niu_2018_PMID:29599744). The p.P392L variant is located in the highly conserved ubiquitin-associated (UBA) domain in the p62 protein which is involved in multiubiquitin chain binding. An NMR structure of the UBA domain with the p.P392L mutant showed no effect on the interaction of the UBA domain with multiubiquitin chain binding (Ciani_2003_PMID:12857745). An in vitro assay showed the p.P392L mutation does not affect the binding properties of UBA, however it had subtle local effects on the UBA domain structure (Layfield_2004_PMID:15493999). Other in vitro functional expression studies in E. coli showed the p.P392L mutation caused loss of monoubiquitin binding and impaired K48-linked polyubiquitin binding (Cavey_2005_PMID:15765181). There are conflicting in vivo studies on mice with the p.P392L mutation and association with PDB (Hiruma_2008_PMID:18765443, Daroszewska_2011_PMID:21515589). Chamoux et al. conducted in vivo studies on mature osteoclasts from PDB patients and healthy donors that carried or do not carry the p.P392L variant. Results showed the p62 protein was significantly more expressed in PDB patient than in healthy donors, regardless of whether the p.P392L variant was present or not. However, overexpression of p.P392L mutated p62 led to the formation of more osteoclasts which contained more nuclei than non-transfected cells or cells overexpressing wild-type p62. The p62 p.P392L mutation contributed to increased activation of other proteins (Chamoux_2009_PMID:19589897). Other studies speculate environmental and genetics factors involved in the formation of disease in those with PDB and distal myopathy (Niu_2018_PMID:29599744, Kurihara_2011_PMID:21195346). The variant was identified in dbSNP (ID: rs104893941), LOVD 3.0 and ClinVar (conflicting interpretations of pathogenicity: uncertain significance by GeneDx, pathogenic by Laboratory for Molecular Medicine and Illumina, likely pathogenic by Division of Human Genetics, Children's Hospital of Philadelphia , and benign by Invitae, associated with the conditions Paget disease, Amyotrophic lateral sclerosis and/or frontotemporal dementia 1, and Frontotemporal dementia and/or amyotrophic lateral sclerosis 3). The variant was identified in control databases in 259 of 282398 chromosomes (2 homozygous) at a frequency of 0.000917 increasing the likelihood this could be a low frequency benign variant (Genome Aggregation Database March 6, 2019, v2.1.1). The variant was observed in the following populations: Other in 15 of 7228 chromosomes (freq: 0.002075), European (non-Finnish) in 173 of 128718 chromosomes (freq: 0.001344), Latino in 45 of 35440 chromosomes (freq: 0.00127), European (Finnish) in 9 of 25118 chromosomes (freq: 0.000358), South Asian in 9 of 30616 chromosomes (freq: 0.000294), African in 6 of 24960 chromosomes (freq: 0.00024) and Ashkenazi Jewish in 2 of 10366 chromosomes (freq: 0.000193), but was not observed in the East Asian population. The p.Pro392 residue is not conserved in mammals and computational analyses (PolyPhen-2, SIFT, AlignGVGD, BLOSUM, MutationTaster) provide inconsistent predictions regarding the impact to the protein; this information is not very predictive of pathogenicity. The variant occurs outside of the splicing consensus sequence and three of four in silico or computational prediction software programs (SpliceSiteFinder, MaxEntScan, NNSPLICE, GeneSplicer) do not predict a greater than 10% difference in splicing; this is not very predictive of pathogenicity. In summary, based on the above information the clinical significance of this variant cannot be determined with certainty at this time although we would lean towards a more pathogenic role for this variant. This variant is classified as likely pathogenic.

Literature cited by the submitters: PubMed 11473345 (cited by Labcorp Genetics (formerly Invitae), Labcorp); PubMed 11992264 (cited by 7 submitters); PubMed 15125799 (cited by Labcorp Genetics (formerly Invitae), Labcorp and Mayo Clinic Laboratories, Mayo Clinic); PubMed 17229007 (cited by 6 submitters); PubMed 24899140 (cited by 6 submitters); PubMed 24042580 (cited by 5 submitters); PubMed 23417734 (cited by 4 submitters); PubMed 23942205 (cited by 6 submitters); PubMed 28430856 (cited by 4 submitters); PubMed 29457785 (cited by 4 submitters); PubMed 29599744 (cited by 4 submitters); PubMed 15765181 (cited by 4 submitters); PubMed 16813535 (cited by 4 submitters); PubMed 19589897 (cited by 5 submitters); PubMed 21195346 (cited by 7 submitters); PubMed 21878516 (cited by 3 submitters); PubMed 36133075 (cited by Victorian Clinical Genetics Services, Murdoch Childrens Research Institute and Mayo Clinic Laboratories, Mayo Clinic); PubMed 26713335 (cited by 4 submitters); PubMed 35260199 (cited by Victorian Clinical Genetics Services, Murdoch Childrens Research Institute and Mayo Clinic Laboratories, Mayo Clinic); PubMed 18765443 (cited by 5 submitters); PubMed 15176995 (cited by Mayo Clinic Laboratories, Mayo Clinic and Illumina Laboratory Services, Illumina); PubMed 15493999 (cited by 3 submitters); PubMed 15647816 (cited by Mayo Clinic Laboratories, Mayo Clinic and Illumina Laboratory Services, Illumina); PubMed 18543015 (cited by 3 submitters); PubMed 19257822 (cited by Mayo Clinic Laboratories, Mayo Clinic and Illumina Laboratory Services, Illumina); PubMed 20499339 (cited by Mayo Clinic Laboratories, Mayo Clinic and Illumina Laboratory Services, Illumina); PubMed 21515589 (cited by 3 submitters); PubMed 22084127 (cited by Mayo Clinic Laboratories, Mayo Clinic and OMIM); PubMed 25241215 (cited by 3 submitters); PubMed 26627873 (cited by Mayo Clinic Laboratories, Mayo Clinic and Laboratory for Molecular Medicine, Mass General Brigham Personalized Medicine); PubMed 27594680 (cited by Mayo Clinic Laboratories, Mayo Clinic and Laboratory for Molecular Medicine, Mass General Brigham Personalized Medicine); PubMed 29948344 (cited by Mayo Clinic Laboratories, Mayo Clinic); PubMed 32176830 (cited by Mayo Clinic Laboratories, Mayo Clinic); PubMed 32409511 (cited by Mayo Clinic Laboratories, Mayo Clinic); PubMed 32594029 (cited by Mayo Clinic Laboratories, Mayo Clinic); PubMed 32893041 (cited by Mayo Clinic Laboratories, Mayo Clinic); PubMed 32978683 (cited by Mayo Clinic Laboratories, Mayo Clinic); PubMed 33015249 (cited by Mayo Clinic Laboratories, Mayo Clinic); PubMed 33325387 (cited by Mayo Clinic Laboratories, Mayo Clinic); PubMed 33612544 (cited by Mayo Clinic Laboratories, Mayo Clinic); PubMed 34426522 (cited by Mayo Clinic Laboratories, Mayo Clinic); PubMed 35241069 (cited by Mayo Clinic Laboratories, Mayo Clinic); PubMed 37205240 (cited by Mayo Clinic Laboratories, Mayo Clinic); PubMed 37370996 (cited by Mayo Clinic Laboratories, Mayo Clinic); PubMed 38016875 (cited by Mayo Clinic Laboratories, Mayo Clinic); PubMed 38493523 (cited by Mayo Clinic Laboratories, Mayo Clinic); PubMed 38702915 (cited by Mayo Clinic Laboratories, Mayo Clinic); PubMed 38960585 (cited by Mayo Clinic Laboratories, Mayo Clinic); PubMed 39142003 (cited by Mayo Clinic Laboratories, Mayo Clinic and Molecular Genetics, Royal Melbourne Hospital); PubMed 39563277 (cited by Mayo Clinic Laboratories, Mayo Clinic); PubMed 39669768 (cited by Mayo Clinic Laboratories, Mayo Clinic); PubMed 40208338 (cited by Mayo Clinic Laboratories, Mayo Clinic); PubMed 40225153 (cited by Mayo Clinic Laboratories, Mayo Clinic); PubMed 40342188 (cited by Mayo Clinic Laboratories, Mayo Clinic); PubMed 40395983 (cited by Mayo Clinic Laboratories, Mayo Clinic); PubMed 40772172 (cited by Mayo Clinic Laboratories, Mayo Clinic); PubMed 40847817 (cited by Mayo Clinic Laboratories, Mayo Clinic); PubMed 41077880 (cited by Mayo Clinic Laboratories, Mayo Clinic); PubMed 41137727 (cited by Mayo Clinic Laboratories, Mayo Clinic); PubMed 25410659 (cited by Molecular Genetics, Royal Melbourne Hospital); PubMed 36861178 (cited by Molecular Genetics, Royal Melbourne Hospital); PubMed 39044379 (cited by Molecular Genetics, Royal Melbourne Hospital); PubMed 30154079 (cited by Laboratory for Molecular Medicine, Mass General Brigham Personalized Medicine); PubMed 27275741 (cited by Laboratory for Molecular Medicine, Mass General Brigham Personalized Medicine).